The following is an entry in ClinVar:

NM_020686.6(ABAT):c.102A>C (p.Lys34Asn)

Gene: ABAT (4-aminobutyrate aminotransferase; plus strand). Cytogenetic location: 16p13.2.
Variant type: single nucleotide variant.
Coding change: c.102A>C on transcript NM_020686.6 (MANE Select); coding-DNA position 102, A replaced by C.
Protein change: p.Lys34Asn; replaces lysine 34 with asparagine.
Molecular consequence: missense variant. On other transcripts: 5 prime UTR variant (3), intron variant (2).
Genome position (GRCh38, 1-based): chr16:8,746,032, A>C. VCF-style: chr16-8746032-A-C. GRCh37 (hg19) VCF-style: chr16-8839889-A-C.
Other names: c.102A>C, p.Lys34Asn (NM_000663.5, NM_001127448.2, NM_001386600.1 and 11 more transcripts); c.-34A>C (NM_001386611.1, NM_001386612.1, NM_001386613.1); c.71-2076A>C (NM_001386610.1); c.70+10223A>C (NM_001386614.1); short protein forms K34N.
Identifiers: ClinVar variation 1970555 (VCV001970555.5), dbSNP rs2059318026, ClinGen allele CA394692193.

ClinVar aggregate classification (germline): Uncertain significance (1 of 4 stars; one submission).

Conditions:
Gamma-aminobutyric acid transaminase deficiency (GABATD). Also called: GABA aminotransaminase deficiency; GABA transaminase deficiency; Gamma aminobutyrate transaminase deficiency; 4 alpha aminobutyrate transaminase deficiency. Identifiers: Orphanet 2066, MedGen C0342708, MONDO:0013166, OMIM 613163.

gnomAD v4.1: 1 of 1,613,840 alleles (0.000062%); highest among the groups gnomAD compares: Non-Finnish European, 0.000085%; no homozygotes.

Submission:

Labcorp Genetics (formerly Invitae), Labcorp
Classification: Uncertain significance for Gamma-aminobutyric acid transaminase deficiency. Last evaluated: 2022-05-22. Review status: criteria provided, single submitter. Criteria: Invitae Variant Classification Sherloc (09022015). Collection method: clinical testing. Allele origin: germline.
Comment: In summary, the available evidence is currently insufficient to determine the role of this variant in disease. Therefore, it has been classified as a Variant of Uncertain Significance. Algorithms developed to predict the effect of missense changes on protein structure and function (SIFT, PolyPhen-2, Align-GVGD) all suggest that this variant is likely to be tolerated. This variant has not been reported in the literature in individuals affected with ABAT-related conditions. This variant is not present in population databases (gnomAD no frequency). This sequence change replaces lysine, which is basic and polar, with asparagine, which is neutral and polar, at codon 34 of the ABAT protein (p.Lys34Asn).